The following is an entry in ClinVar:

NM_182692.3(SRPK2):c.45G>A (p.Arg15=)

Gene: SRPK2 (SRSF protein kinase 2; minus strand). Cytogenetic location: 7q22.3.
Variant type: single nucleotide variant.
Coding change: c.45G>A on transcript NM_182692.3 (MANE Select); coding-DNA position 45, G replaced by A.
Protein change: p.Arg15=; no amino-acid change (arginine 15 retained).
Molecular consequence: synonymous variant. On other transcripts: 5 prime UTR variant (2), missense variant (2).
Genome position (GRCh38, 1-based): chr7:105,388,674, C>T on the plus strand (G>A on the coding strand, the complement: SRPK2 is on the minus strand). VCF-style: chr7-105388674-C-T. GRCh37 (hg19) VCF-style: chr7-105029121-C-T.
Other names: c.-53G>A (NM_001350738.2, NM_001350743.2); c.156G>A, p.Arg52= (NM_001350740.2); c.45G>A, p.Arg15= (NM_001350741.2); c.59G>A, p.Gly20Asp (NM_001350742.2, NM_001350746.2); short protein forms G20D.
Identifiers: ClinVar variation 3040361 (VCV003040361.2), dbSNP rs146307731, ClinGen allele CA4425641.
Genomic context (GRCh38, chr7:105,388,674, plus strand): 5'-GTGGGGAACGGGGACAGGCGCAGCGTGGACTCACTTTTTCGGATGTTTCTCTCTTTTCGG[C>T]CTCCGCTTTCGGGCCTGAATGGCCAGCACTGGGGAAGAGAAGACACACATTAACGGTCGG-3'
Protein context (NP_872634.1, residues 5-25): KVLAIQARKR[Arg15=]PKREKHPKKP

ClinVar aggregate classification (germline): Likely benign (0 of 4 stars; one submission).

Conditions:
SRPK2-related disorder. Also called: SRPK2-related condition.

Allele frequency attached by ClinVar (database versions not stated): gnomAD 0.00018; 1000 Genomes Project 0.00020; ExAC 0.00023; TOPMed 0.00025; 1000 Genomes Project 30x 0.00031; gnomAD exomes 0.00041; ESP Exome Variant Server 0.00046.
gnomAD v4.1: 605 of 1,588,996 alleles (0.038%); highest among the groups gnomAD compares: Non-Finnish European, 0.049%; 1 homozygote.

Submission:

PreventionGenetics, part of Exact Sciences
Classification: Likely benign for SRPK2-related condition. Last evaluated: 2019-02-28. Review status: no assertion criteria provided. Collection method: clinical testing. Allele origin: germline.
Comment: This variant is classified as likely benign based on ACMG/AMP sequence variant interpretation guidelines (Richards et al. 2015 PMID: 25741868, with internal and published modifications).